The following is an entry in ClinVar:

ClinVar aggregate classification (germline): Uncertain significance (1 of 4 stars; one submission).

Conditions:
Hereditary cancer-predisposing syndrome. Also called: Tumor predisposition; Neoplastic Syndromes, Hereditary; Hereditary Cancer Syndrome; Hereditary neoplastic syndrome. Identifiers: Orphanet 140162, MedGen C0027672, MeSH D009386, MONDO:0015356.

Submission:

Ambry Genetics
Classification: Uncertain significance for Hereditary cancer-predisposing syndrome. Last evaluated: 2025-02-14. Review status: criteria provided, single submitter. Criteria: Ambry Variant Classification Scheme 2023. Collection method: clinical testing. Allele origin: germline.
Comment: The p.D685V variant (also known as c.2054A>T), located in coding exon 18 of the MRE11A gene, results from an A to T substitution at nucleotide position 2054. The aspartic acid at codon 685 is replaced by valine, an amino acid with highly dissimilar properties. This amino acid position is conserved. In addition, the in silico prediction for this alteration is inconclusive. Based on the available evidence, the clinical significance of this variant remains unclear.

NM_005591.4(MRE11):c.2054A>T (p.Asp685Val)

Gene: MRE11 (MRE11 double strand break repair nuclease; minus strand). Cytogenetic location: 11q21.
Variant type: single nucleotide variant.
Coding change: c.2054A>T on transcript NM_005591.4 (MANE Select); coding-DNA position 2054, A replaced by T.
Protein change: p.Asp685Val; replaces aspartic acid 685 with valine.
Molecular consequence: missense variant.
Genome position (GRCh38, 1-based): chr11:94,429,927, T>A on the plus strand (A>T on the coding strand, the complement: MRE11 is on the minus strand). VCF-style: chr11-94429927-T-A. GRCh37 (hg19) VCF-style: chr11-94163093-T-A.
Other names: c.2051A>T, p.Asp684Val (NM_001330347.2); c.1970A>T, p.Asp657Val (NM_005590.4); short protein forms D657V, D684V, D685V.
Identifiers: ClinVar variation 3874336 (VCV003874336.1).